The following is an entry in ClinVar:

ClinVar aggregate classification (germline): Uncertain significance (1 of 4 stars; one submission).

Submission:

CeGaT Center for Human Genetics Tuebingen
Classification: Uncertain significance. Last evaluated: 2023-11-01. Review status: criteria provided, single submitter. Criteria: CeGaT Center For Human Genetics Tuebingen Variant Classification Criteria Version 2. Collection method: clinical testing. Allele origin: germline. Affected: yes. Observed: 1 variant allele.
Comment: ATP2B1: PM2, PP3

NM_001366521.1(ATP2B1):c.3635C>T (p.Pro1212Leu)

Gene: ATP2B1 (ATPase plasma membrane Ca2+ transporting 1; minus strand). Cytogenetic location: 12q21.33.
Variant type: single nucleotide variant.
Coding change: c.3635C>T on transcript NM_001366521.1 (MANE Select); coding-DNA position 3635, C replaced by T.
Protein change: p.Pro1212Leu; replaces proline 1212 with leucine.
Molecular consequence: missense variant. On other transcripts: 3 prime UTR variant (9), non-coding transcript variant (3).
Genome position (GRCh38, 1-based): chr12:89,591,012, G>A on the plus strand (C>T on the coding strand, the complement: ATP2B1 is on the minus strand). VCF-style: chr12-89591012-G-A. GRCh37 (hg19) VCF-style: chr12-89984789-G-A.
Other names: c.*258C>T (NM_001001323.2, NM_001366523.1, NM_001366528.1 and 2 more transcripts); c.3635C>T, p.Pro1212Leu (NM_001366520.1, NM_001366522.1, NM_001413046.1 and 2 more transcripts); c.3722C>T, p.Pro1241Leu (NM_001366524.1, NM_001366525.1); c.*271C>T (NM_001366526.1, NM_001366527.1, NM_001366529.1 and 1 more transcripts); c.3596C>T, p.Pro1199Leu (NM_001413048.1); c.3527C>T, p.Pro1176Leu (NM_001413049.1, NM_001413050.1); c.3494C>T, p.Pro1165Leu (NM_001413051.1, NM_001413052.1); c.3437C>T, p.Pro1146Leu (NM_001413053.1); and 5 more; short protein forms P1025L, P1061L, P1127L, P1129L, P1131L, P1146L, P1165L, P1176L.
Identifiers: ClinVar variation 2672513 (VCV002672513.23), dbSNP rs2540631914, ClinGen allele CA385996830.